The following is an entry in ClinVar:

NM_001063.4(TF):c.612C>G (p.Tyr204Ter)

Gene: TF (transferrin; plus strand). Cytogenetic location: 3q22.1.
Variant type: single nucleotide variant.
Coding change: c.612C>G on transcript NM_001063.4 (MANE Select); coding-DNA position 612, C replaced by G.
Protein change: p.Tyr204Ter; replaces tyrosine 204 with a stop codon.
Molecular consequence: nonsense.
Genome position (GRCh38, 1-based): chr3:133,755,472, C>G. VCF-style: chr3-133755472-C-G. GRCh37 (hg19) VCF-style: chr3-133474316-C-G.
Other names: c.480C>G, p.Tyr160Ter (NM_001354703.2); c.231C>G, p.Tyr77Ter (NM_001354704.2); short protein forms Y160*, Y204*, Y77*.
Identifiers: ClinVar variation 5013245 (VCV005013245.2).
Genomic context (GRCh38, chr3:133,755,472, plus strand): 5'-GGACTTCCCCCAGCTGTGTCAACTGTGTCCAGGGTGTGGCTGCTCCACCCTTAACCAATA[C>G]TTCGGCTACTCGGGAGCCTTCAAGTGAGTGAGATGTCTGCTGCTCCATGGTGGCCAAAGT-3'

ClinVar aggregate classification (germline): Pathogenic/Likely pathogenic. Review status: criteria provided, multiple submitters, no conflicts (2 of 4 stars). 2 submissions from 2 submitters: Pathogenic (1); Likely pathogenic (1). Last evaluated 2024-06-27.

Conditions:
Atransferrinemia. Also called: Familial hypotransferrinemia. Identifiers: Orphanet 1195, MedGen C0521802, MONDO:0008846, OMIM 209300, HP:0012239.

Submissions (2):

Myriad Genetics, Inc.
Classification: Pathogenic for Atransferrinemia. Last evaluated: 2024-06-27. Review status: criteria provided, single submitter. Criteria: Myriad Autosomal Dominant, Autosomal Recessive and X-Linked Classification Criteria (2023). Collection method: clinical testing. Allele origin: unknown.
Comment: NM_001063.3(TF):c.612C>G(Y204*) is expected to be pathogenic in the context of atransferrinemia. This variant is predicted to lead to an abnormal or absent protein product due to the creation of a premature termination codon in TF, a gene where loss-of-function variants are known to be pathogenic. Please note: this variant was assessed in the context of healthy population screening.

Kariminejad - Najmabadi Pathology & Genetics Center
Classification: Likely pathogenic for Atransferrinemia. Review status: criteria provided, single submitter. Criteria: ACMG Guidelines, 2015. Collection method: clinical testing. Allele origin: germline. Affected: no.